The following is an entry in ClinVar:

NM_078470.6(COX15):c.1039del (p.Ile347fs)

Gene: COX15 (cytochrome c oxidase assembly factor COX15; minus strand). Cytogenetic location: 10q24.2.
Variant type: Deletion.
Coding change: c.1039del on transcript NM_078470.6 (MANE Select); coding-DNA position 1039, one base deleted (A; older notation c.1039delA).
Protein change: p.Ile347fs; shifts the reading frame from isoleucine 347.
Molecular consequence: frameshift variant. On other transcripts: non-coding transcript variant (1).
Genome position (GRCh38, 1-based): chr10:99,716,410, T deleted on the plus strand (A on the coding strand, the reverse complement: COX15 is on the minus strand); the first of 2 consecutive T bases (chr10:99,716,410-99,716,411); deleting either gives the same sequence. VCF-style (leftmost placement, unchanged base first): chr10-99716409-AT-A. GRCh37 (hg19) VCF-style: chr10-101476166-AT-A.
Other names: c.1039del, p.Ile347fs (NM_001320974.2, NM_001372024.1, NM_001372027.1 and 1 more transcripts); c.884del, p.Asn295fs (NM_001320975.2, NM_001372028.1); c.502del, p.Ile168fs (NM_001320976.2); c.1057del, p.Ile353fs (NM_001372025.1); c.1012del, p.Ile338fs (NM_001372026.1); c.1039del (NM_004376.5); short protein forms I168fs, I347fs, I338fs, I353fs, N295fs.
Identifiers: ClinVar variation 1933924 (VCV001933924.7), dbSNP rs766283832, ClinGen allele CA5642104.

ClinVar aggregate classification (germline): Conflicting classifications of pathogenicity. Review status: criteria provided, conflicting classifications (1 of 4 stars). 3 submissions from 3 submitters: Likely pathogenic (1); Uncertain significance (2). Last evaluated 2026-03-03.

Conditions:
Cardioencephalomyopathy, fatal infantile, due to cytochrome c oxidase deficiency 2 (MC4DN6). Also called: MITOCHONDRIAL COMPLEX IV DEFICIENCY, NUCLEAR TYPE 6. Identifiers: Orphanet 1561, MedGen C3554534, MONDO:0014051, OMIM 615119.

Submissions (3):

GeneDx
Classification: Uncertain significance. Last evaluated: 2026-03-03. Review status: criteria provided, single submitter. Criteria: GeneDx Variant Classification Process June 2021. Collection method: clinical testing. Allele origin: germline.
Comment: Has not been previously published as pathogenic or benign to our knowledge; Frameshift variant predicted to result in abnormal protein length as the last 42 amino acid(s) are replaced with 11 different amino acid(s) with an unclear effect on protein function

Fulgent Genetics
Classification: Likely pathogenic for Cardioencephalomyopathy, fatal infantile, due to cytochrome c oxidase deficiency 2. Last evaluated: 2024-04-12. Review status: criteria provided, single submitter. Criteria: ACMG Guidelines, 2015. Collection method: clinical testing. Allele origin: germline.

Labcorp Genetics (formerly Invitae), Labcorp
Classification: Uncertain significance. Last evaluated: 2022-02-13. Review status: criteria provided, single submitter. Criteria: Invitae Variant Classification Sherloc (09022015). Collection method: clinical testing. Allele origin: germline.
Comment: This variant has not been reported in the literature in individuals affected with COX15-related conditions. This variant is present in population databases (rs766283832, gnomAD 0.02%). This sequence change creates a premature translational stop signal (p.Ile347Phefs*12) in the COX15 gene. While this is not anticipated to result in nonsense mediated decay, it is expected to disrupt the last 42 amino acid(s) of the COX15 protein. In summary, the available evidence is currently insufficient to determine the role of this variant in disease. Therefore, it has been classified as a Variant of Uncertain Significance.